The following is an entry in ClinVar:

ClinVar aggregate classification (germline): Pathogenic (1 of 4 stars; one submission).

Allele frequency attached by ClinVar (database versions not stated): gnomAD 0.00001.

Submission:

Labcorp Genetics (formerly Invitae), Labcorp
Classification: Pathogenic. Last evaluated: 2023-02-28. Review status: criteria provided, single submitter. Criteria: Invitae Variant Classification Sherloc (09022015). Collection method: clinical testing. Allele origin: germline.
Comment: For these reasons, this variant has been classified as Pathogenic. Algorithms developed to predict the effect of sequence changes on RNA splicing suggest that this variant may create or strengthen a splice site. This sequence change creates a premature translational stop signal (p.Phe680Glyfs*30) in the ANO6 gene. It is expected to result in an absent or disrupted protein product. Loss-of-function variants in ANO6 are known to be pathogenic (PMID: 21107324, 21511967, 27879994). This variant is not present in population databases (gnomAD no frequency). This variant has not been reported in the literature in individuals affected with ANO6-related conditions.

Literature cited by the submitters: PubMed 21107324; PubMed 21511967; PubMed 27879994.

NM_001025356.3(ANO6):c.2038_2042del (p.Phe680fs)

Gene: ANO6 (anoctamin 6; plus strand). Cytogenetic location: 12q12.
Variant type: Deletion.
Coding change: c.2038_2042del on transcript NM_001025356.3 (MANE Select); coding-DNA positions 2038 to 2042, 5 bases deleted (TTTGT; older notation c.2038_2042delTTTGT).
Protein change: p.Phe680fs; shifts the reading frame from phenylalanine 680.
Molecular consequence: frameshift variant.
Genome position (GRCh38, 1-based): chr12:45,416,725-45,416,729, TTTGT deleted. VCF-style (leftmost placement, unchanged base first): chr12-45416724-ATTTGT-A. GRCh37 (hg19) VCF-style: chr12-45810507-ATTTGT-A.
Other names: c.1984_1988del, p.Phe662fs (NM_001142678.2); c.2038_2042del, p.Phe680fs (NM_001142679.2); c.2101_2105del, p.Phe701fs (NM_001204803.2); c.2005_2009del, p.Phe669fs (NM_001410973.1); short protein forms F701fs, F662fs, F680fs, F669fs.
Identifiers: ClinVar variation 2877884 (VCV002877884.3), dbSNP rs1943222436, ClinGen allele CA947172478.